The following is an entry in ClinVar:

ClinVar aggregate classification (germline): Uncertain significance. Review status: criteria provided, single submitter (1 of 4 stars). 2 submissions from 2 submitters: Uncertain significance (1). 1 of the submissions does not count toward it. Last evaluated 2023-03-26.

Conditions:
Wilms tumor 1 (WT1). Also called: Wilms tumor, somatic. Identifiers: Orphanet 654, MedGen CN033288, MONDO:0008679, OMIM 194070.

Allele frequency attached by ClinVar (database versions not stated): gnomAD exomes 0.00001.
gnomAD v4.1: 10 of 1,207,369 alleles (0.00083%); highest among the groups gnomAD compares: Non-Finnish European, 0.0011%; no homozygotes.

Submissions (2):

Labcorp Genetics (formerly Invitae), Labcorp
Classification: Uncertain significance for Wilms tumor 1. Last evaluated: 2023-03-26. Review status: criteria provided, single submitter. Criteria: Invitae Variant Classification Sherloc (09022015). Collection method: clinical testing. Allele origin: germline.
Comment: This variant is not present in population databases (gnomAD no frequency). This sequence change replaces alanine, which is neutral and non-polar, with threonine, which is neutral and polar, at codon 569 of the GPC3 protein (p.Ala569Thr). This variant has not been reported in the literature in individuals affected with GPC3-related conditions. In summary, the available evidence is currently insufficient to determine the role of this variant in disease. Therefore, it has been classified as a Variant of Uncertain Significance. Algorithms developed to predict the effect of missense changes on protein structure and function output the following: SIFT: "Not Available"; PolyPhen-2: "Benign"; Align-GVGD: "Not Available". The threonine amino acid residue is found in multiple mammalian species, which suggests that this missense change does not adversely affect protein function. ClinVar contains an entry for this variant (Variation ID: 11691).

OMIM
Classification: Pathogenic for WILMS TUMOR, SOMATIC. Last evaluated: 2002-06-17. Review status: no assertion criteria provided. Collection method: literature only. Allele origin: somatic. Not counted in ClinVar's aggregate classification.

Literature cited by the submitters: PubMed 12085187 (cited by OMIM).

NM_004484.4(GPC3):c.1705G>A (p.Ala569Thr)

Gene: GPC3 (glypican 3; minus strand). Cytogenetic location: Xq26.2.
Variant type: single nucleotide variant.
Coding change: c.1705G>A on transcript NM_004484.4 (MANE Select); coding-DNA position 1705, G replaced by A.
Protein change: p.Ala569Thr; replaces alanine 569 with threonine.
Molecular consequence: missense variant.
Genome position (GRCh38, 1-based): chrX:133,536,162, C>T on the plus strand (G>A on the coding strand, the complement: GPC3 is on the minus strand). VCF-style: chrX-133536162-C-T. GRCh37 (hg19) VCF-style: chrX-132670190-C-T.
Other names: 1902G-A; c.1774G>A, p.Ala592Thr (NM_001164617.2); c.1657G>A, p.Ala553Thr (NM_001164618.2); c.1543G>A, p.Ala515Thr (NM_001164619.2); short protein forms A515T, A553T, A569T, A592T.
Identifiers: ClinVar variation 11691 (VCV000011691.7), dbSNP rs122453120, ClinGen allele CA255997.